The following is an entry in ClinVar:

NM_002907.4(RECQL):c.1150A>G (p.Arg384Gly)

Gene: RECQL (RecQ like helicase; minus strand). Cytogenetic location: 12p12.1.
Variant type: single nucleotide variant.
Coding change: c.1150A>G on transcript NM_002907.4 (MANE Select); coding-DNA position 1150, A replaced by G.
Protein change: p.Arg384Gly; replaces arginine 384 with glycine.
Molecular consequence: missense variant.
Genome position (GRCh38, 1-based): chr12:21,475,534, T>C on the plus strand (A>G on the coding strand, the complement: RECQL is on the minus strand). VCF-style: chr12-21475534-T-C. GRCh37 (hg19) VCF-style: chr12-21628468-T-C.
Other names: c.1150A>G, p.Arg384Gly (NM_032941.3); short protein forms R384G.
Identifiers: ClinVar variation 1733946 (VCV001733946.5), dbSNP rs761986363, ClinGen allele CA6478841.
Genomic context (GRCh38, chr12:21,475,534, plus strand): 5'-GTCCACTCTCTTGGTAATAATTTTCCATGGATTTACTCATTGAATGATGGATAACAAACC[T>C]CACATCTGGCTTATCAATTCCCATACCAAATGCAACAGTTGCCACTACTACCTGAAATAT-3'
Protein context (NP_002898.2, residues 374-394): FGMGIDKPDV[Arg384Gly]FVIHHSMSKS

ClinVar aggregate classification (germline): Uncertain significance. Review status: criteria provided, multiple submitters, no conflicts (2 of 4 stars). 2 submissions from 2 submitters: Uncertain significance (2). Last evaluated 2025-05-14.

Allele frequency attached by ClinVar (database versions not stated): TOPMed 0.00001.
gnomAD v4.1: 8 of 1,612,934 alleles (0.0005%); highest among the groups gnomAD compares: Non-Finnish European, 0.00068%; no homozygotes.

Submissions (2):

Labcorp Genetics (formerly Invitae), Labcorp
Classification: Uncertain significance. Last evaluated: 2025-05-14. Review status: criteria provided, single submitter. Criteria: Invitae Variant Classification Sherloc (09022015). Collection method: clinical testing. Allele origin: germline.
Comment: This sequence change replaces arginine, which is basic and polar, with glycine, which is neutral and non-polar, at codon 384 of the RECQL protein (p.Arg384Gly). This variant is present in population databases (rs761986363, gnomAD 0.002%). This variant has not been reported in the literature in individuals affected with RECQL-related conditions. ClinVar contains an entry for this variant (Variation ID: 1733946). Invitae Evidence Modeling of protein sequence and biophysical properties (such as structural, functional, and spatial information, amino acid conservation, physicochemical variation, residue mobility, and thermodynamic stability) indicates that this missense variant is expected to disrupt RECQL protein function with a positive predictive value of 80%. In summary, the available evidence is currently insufficient to determine the role of this variant in disease. Therefore, it has been classified as a Variant of Uncertain Significance.

Ambry Genetics
Classification: Uncertain significance. Last evaluated: 2025-02-01. Review status: criteria provided, single submitter. Criteria: Ambry Variant Classification Scheme 2023. Collection method: clinical testing. Allele origin: germline.
Comment: The p.R384G variant (also known as c.1150A>G), located in coding exon 9 of the RECQL gene, results from an A to G substitution at nucleotide position 1150. The arginine at codon 384 is replaced by glycine, an amino acid with dissimilar properties. This amino acid position is highly conserved in available vertebrate species. In addition, this alteration is predicted to be deleterious by in silico analysis. Since supporting evidence is limited at this time, the clinical significance of this alteration remains unclear.